The following is an entry in ClinVar:

ClinVar aggregate classification (germline): Uncertain significance (1 of 4 stars; one submission).

Conditions:
Landau-Kleffner syndrome (FESD). Also called: EPILEPSY, FOCAL, WITH SPEECH DISORDER AND WITH OR WITHOUT MENTAL RETARDATION; APHASIA, ACQUIRED, WITH EPILEPSY. Identifiers: Orphanet 1945, Orphanet 725, Orphanet 98818, MedGen C0282512, MONDO:0009509, OMIM 245570.

Submission:

Labcorp Genetics (formerly Invitae), Labcorp
Classification: Uncertain significance for Landau-Kleffner syndrome. Last evaluated: 2019-08-13. Review status: criteria provided, single submitter. Criteria: Invitae Variant Classification Sherloc (09022015). Collection method: clinical testing. Allele origin: germline.
Comment: Algorithms developed to predict the effect of missense changes on protein structure and function are either unavailable or do not agree on the potential impact of this missense change (SIFT: "Tolerated"; PolyPhen-2: "Probably Damaging"; Align-GVGD: "Class C0"). This sequence change replaces aspartic acid with glutamic acid at codon 402 of the GRIN2A protein (p.Asp402Glu). The aspartic acid residue is highly conserved and there is a small physicochemical difference between aspartic acid and glutamic acid. This variant is not present in population databases (ExAC no frequency). This variant has not been reported in the literature in individuals with GRIN2A-related conditions. In summary, the available evidence is currently insufficient to determine the role of this variant in disease. Therefore, it has been classified as a Variant of Uncertain Significance.

NM_001134407.3(GRIN2A):c.1206T>G (p.Asp402Glu)

Gene: GRIN2A (glutamate ionotropic receptor NMDA type subunit 2A; minus strand). Cytogenetic location: 16p13.2.
Variant type: single nucleotide variant.
Coding change: c.1206T>G on transcript NM_001134407.3 (MANE Select); coding-DNA position 1206, T replaced by G.
Protein change: p.Asp402Glu; replaces aspartic acid 402 with glutamic acid.
Molecular consequence: missense variant.
Genome position (GRCh38, 1-based): chr16:9,849,878, A>C on the plus strand (T>G on the coding strand, the complement: GRIN2A is on the minus strand). VCF-style: chr16-9849878-A-C. GRCh37 (hg19) VCF-style: chr16-9943735-A-C.
Other names: c.1206T>G, p.Asp402Glu (NM_000833.5, NM_001134408.2); short protein forms D402E.
Identifiers: ClinVar variation 940546 (VCV000940546.7), dbSNP rs2042851567, ClinGen allele CA394801176.
Genomic context (GRCh38, chr16:9,849,878, plus strand): 5'-TATGTCTTCCACGATGACGAATGGGGCCTCCTCCAGGGTGACGATGCTGAGATGGTTGTC[A>C]TCCGGCTCACAGTCGGAGAAGGACTTGTACCTGGGCCACACGGCGTGCCTCAGGCTCAGC-3'
Protein context (NP_001127879.1, residues 392-412): RYKSFSDCEP[Asp402Glu]DNHLSIVTLE